The following is an entry in ClinVar:

NM_004104.5(FASN):c.2848G>A (p.Gly950Ser)

Gene: FASN (fatty acid synthase; minus strand). Cytogenetic location: 17q25.3.
Variant type: single nucleotide variant.
Coding change: c.2848G>A on transcript NM_004104.5 (MANE Select); coding-DNA position 2848, G replaced by A.
Protein change: p.Gly950Ser; replaces glycine 950 with serine.
Molecular consequence: missense variant.
Genome position (GRCh38, 1-based): chr17:82,087,972, C>T on the plus strand (G>A on the coding strand, the complement: FASN is on the minus strand). VCF-style: chr17-82087972-C-T. GRCh37 (hg19) VCF-style: chr17-80045848-C-T.
Other names: short protein forms G950S.
Identifiers: ClinVar variation 850905 (VCV000850905.11), dbSNP rs200812330, ClinGen allele CA8852623.

ClinVar aggregate classification (germline): Uncertain significance. Review status: criteria provided, multiple submitters, no conflicts (2 of 4 stars). 2 submissions from 2 submitters: Uncertain significance (2). Last evaluated 2025-12-16.

Conditions:
Epileptic encephalopathy. Identifiers: MedGen C0543888, HP:0200134.

Allele frequency attached by ClinVar (database versions not stated): 1000 Genomes Project 0.00020; gnomAD 0.00001 and 0.00003; TOPMed 0.00003; gnomAD exomes 0.00004; ExAC 0.00008; 1000 Genomes Project 30x 0.00016.

Submissions (2):

Ambry Genetics
Classification: Uncertain significance. Last evaluated: 2025-12-16. Review status: criteria provided, single submitter. Criteria: Ambry Variant Classification Scheme 2023. Collection method: clinical testing. Allele origin: germline.

Labcorp Genetics (formerly Invitae), Labcorp
Classification: Uncertain significance for Epileptic encephalopathy. Last evaluated: 2024-08-12. Review status: criteria provided, single submitter. Criteria: Invitae Variant Classification Sherloc (09022015). Collection method: clinical testing. Allele origin: germline.
Comment: This sequence change replaces glycine, which is neutral and non-polar, with serine, which is neutral and polar, at codon 950 of the FASN protein (p.Gly950Ser). This variant is present in population databases (rs200812330, gnomAD 0.007%). This variant has not been reported in the literature in individuals affected with FASN-related conditions. ClinVar contains an entry for this variant (Variation ID: 850905). An algorithm developed to predict the effect of missense changes on protein structure and function (PolyPhen-2) suggests that this variant is likely to be tolerated. In summary, the available evidence is currently insufficient to determine the role of this variant in disease. Therefore, it has been classified as a Variant of Uncertain Significance.